The following is an entry in ClinVar:

NM_001369.3(DNAH5):c.6122delinsATGTGTATAAGAGACAG (p.Val2041fs)

Gene: DNAH5 (dynein axonemal heavy chain 5; minus strand). Cytogenetic location: 5p15.2.
Variant type: Indel.
Coding change: c.6122delinsATGTGTATAAGAGACAG on transcript NM_001369.3 (MANE Select); coding-DNA position 6122, T replaced by ATGTGTATAAGAGACAG.
Protein change: p.Val2041fs; shifts the reading frame from valine 2041.
Molecular consequence: frameshift variant.
Genome position (GRCh38, 1-based): chr5:13,830,153, A replaced by CTGTCTCTTATACACAT on the plus strand (T replaced by ATGTGTATAAGAGACAG on the coding strand, the reverse complement: DNAH5 is on the minus strand). VCF-style: chr5-13830153-A-CTGTCTCTTATACACAT. GRCh37 (hg19) VCF-style: chr5-13830262-A-CTGTCTCTTATACACAT.
Other names: short protein forms V2041fs.
Identifiers: ClinVar variation 5011003 (VCV005011003.1).
Genomic context (GRCh38, chr5:13,830,153, plus strand): 5'-TTTTTGTGCTCCTTTTTACATGTCAGAATAATGGAAATTTGCTGGGCTGCAACCGAGAGA[A>CTGTCTCTTATACACAT]CTGGTAGATCAATACGGTTAAATTCATCAAAACAACCCCAGGATCCAGACTGTGCCAGTC-3'

ClinVar aggregate classification (germline): Pathogenic (1 of 4 stars; one submission).

Conditions:
Primary ciliary dyskinesia 3. Identifiers: Orphanet 244, MedGen C1837618, MONDO:0012085, OMIM 608644.

Submission:

Myriad Genetics, Inc.
Classification: Pathogenic for Primary ciliary dyskinesia 3. Last evaluated: 2024-05-14. Review status: criteria provided, single submitter. Criteria: Myriad Autosomal Dominant, Autosomal Recessive and X-Linked Classification Criteria (2023). Collection method: clinical testing. Allele origin: unknown.
Comment: NM_001369.2(DNAH5):c.6122del1ins17(V2041Dfs*21) is expected to be pathogenic in the context of primary ciliary dyskinesia, DNAH5-related. This variant is predicted to lead to an abnormal or absent protein product due to the creation of a premature termination codon in DNAH5, a gene where loss-of-function variants are known to be pathogenic. Please note: this variant was assessed in the context of healthy population screening.